The following is an entry in ClinVar:

NM_005477.3(HCN4):c.481C>T (p.Pro161Ser)

Gene: HCN4 (hyperpolarization activated cyclic nucleotide gated potassium channel 4; minus strand). Cytogenetic location: 15q24.1.
Variant type: single nucleotide variant.
Coding change: c.481C>T on transcript NM_005477.3 (MANE Select); coding-DNA position 481, C replaced by T.
Protein change: p.Pro161Ser; replaces proline 161 with serine.
Molecular consequence: missense variant.
Genome position (GRCh38, 1-based): chr15:73,367,790, G>A on the plus strand (C>T on the coding strand, the complement: HCN4 is on the minus strand). VCF-style: chr15-73367790-G-A. GRCh37 (hg19) VCF-style: chr15-73660131-G-A.
Other names: c.481C>T (NM_005477.2); short protein forms P161S.
Identifiers: ClinVar variation 2715927 (VCV002715927.4), dbSNP rs1490522995, ClinGen allele CA393097889.

ClinVar aggregate classification (germline): Uncertain significance. Review status: criteria provided, multiple submitters, no conflicts (2 of 4 stars). 2 submissions from 2 submitters: Uncertain significance (2). Last evaluated 2024-10-20.

Conditions:
Brugada syndrome 8 (BRGDA8). Identifiers: Orphanet 130, MedGen C2751083, MONDO:0013148, OMIM 613123.
Cardiovascular phenotype. Identifiers: MedGen CN230736.

gnomAD v4.1: 5 of 1,334,646 alleles (0.00037%); highest among the groups gnomAD compares: African/African-American, 0.0077%; no homozygotes.

Submissions (2):

Ambry Genetics
Classification: Uncertain significance for Cardiovascular phenotype. Last evaluated: 2024-10-20. Review status: criteria provided, single submitter. Criteria: Ambry Variant Classification Scheme 2023. Collection method: clinical testing. Allele origin: germline.

Labcorp Genetics (formerly Invitae), Labcorp
Classification: Uncertain significance for Brugada syndrome 8. Last evaluated: 2023-09-06. Review status: criteria provided, single submitter. Criteria: Invitae Variant Classification Sherloc (09022015). Collection method: clinical testing. Allele origin: germline.
Comment: This sequence change replaces proline, which is neutral and non-polar, with serine, which is neutral and polar, at codon 161 of the HCN4 protein (p.Pro161Ser). This variant is not present in population databases (gnomAD no frequency). This variant has not been reported in the literature in individuals affected with HCN4-related conditions. Advanced modeling of protein sequence and biophysical properties (such as structural, functional, and spatial information, amino acid conservation, physicochemical variation, residue mobility, and thermodynamic stability) performed at Invitae indicates that this missense variant is not expected to disrupt HCN4 protein function. In summary, the available evidence is currently insufficient to determine the role of this variant in disease. Therefore, it has been classified as a Variant of Uncertain Significance.